The following is an entry in ClinVar:

NM_001127453.2(GSDME):c.424C>G (p.Pro142Ala)

Gene: GSDME (gasdermin E; minus strand). Cytogenetic location: 7p15.3.
Variant type: single nucleotide variant.
Coding change: c.424C>G on transcript NM_001127453.2 (MANE Select); coding-DNA position 424, C replaced by G.
Protein change: p.Pro142Ala; replaces proline 142 with alanine.
Molecular consequence: missense variant. On other transcripts: 5 prime UTR variant (1).
Genome position (GRCh38, 1-based): chr7:24,719,199, G>C on the plus strand (C>G on the coding strand, the complement: GSDME is on the minus strand). VCF-style: chr7-24719199-G-C. GRCh37 (hg19) VCF-style: chr7-24758818-G-C.
Other names: c.-69C>G (NM_001127454.2); c.424C>G, p.Pro142Ala (NM_004403.3); short protein forms P142A.
Identifiers: ClinVar variation 1800573 (VCV001800573.8), dbSNP rs754554, ClinGen allele CA4191738.
Genomic context (GRCh38, chr7:24,719,199, plus strand): 5'-TCTTCTGTGTCAAAACGCACAGGACCTCATTCCTTCCTTCCAGCACCTGCTGGAGCACAG[G>C]GTTTCTCAGATTTATTGTTCTGAAAAAGAAAAACGGATGTGAGTGGCTTAGTGCCTCAGG-3'
Protein context (NP_001120925.1, residues 132-152): SAERTINLRN[Pro142Ala]VLQQVLEGRN

ClinVar aggregate classification (germline): Uncertain significance. Review status: criteria provided, multiple submitters, no conflicts (2 of 4 stars). 3 submissions from 3 submitters: Uncertain significance (3). Last evaluated 2025-04-13.

Conditions:
Inborn genetic diseases. Identifiers: MedGen C0950123, MeSH D030342.

Allele frequency attached by ClinVar (database versions not stated): 1000 Genomes Project 30x 0.00016.
gnomAD v4.1: 123 of 1,612,144 alleles (0.0076%); highest among the groups gnomAD compares: Non-Finnish European, 0.0092%; no homozygotes.

Submissions (3):

Ambry Genetics
Classification: Uncertain significance for Inborn genetic diseases. Last evaluated: 2025-04-13. Review status: criteria provided, single submitter. Criteria: Ambry Variant Classification Scheme 2023. Collection method: clinical testing. Allele origin: germline.

GeneDx
Classification: Uncertain significance. Last evaluated: 2022-12-28. Review status: criteria provided, single submitter. Criteria: GeneDx Variant Classification Process June 2021. Collection method: clinical testing. Allele origin: germline.
Comment: In silico analysis supports that this missense variant does not alter protein structure/function; Has not been previously published as pathogenic or benign to our knowledge

Labcorp Genetics (formerly Invitae), Labcorp
Classification: Uncertain significance. Last evaluated: 2022-02-06. Review status: criteria provided, single submitter. Criteria: Invitae Variant Classification Sherloc (09022015). Collection method: clinical testing. Allele origin: germline.
Comment: In summary, the available evidence is currently insufficient to determine the role of this variant in disease. Therefore, it has been classified as a Variant of Uncertain Significance. Algorithms developed to predict the effect of missense changes on protein structure and function (SIFT, PolyPhen-2, Align-GVGD) all suggest that this variant is likely to be tolerated. This variant has not been reported in the literature in individuals affected with DFNA5-related conditions. This variant is present in population databases (rs754554, gnomAD 0.02%). This sequence change replaces proline, which is neutral and non-polar, with alanine, which is neutral and non-polar, at codon 142 of the DFNA5 protein (p.Pro142Ala).